The following is an entry in ClinVar:

NM_002299.4(LCT):c.2080G>A (p.Ala694Thr)

Gene: LCT (lactase; minus strand). Cytogenetic location: 2q21.3.
Variant type: single nucleotide variant.
Coding change: c.2080G>A on transcript NM_002299.4 (MANE Select); coding-DNA position 2080, G replaced by A.
Protein change: p.Ala694Thr; replaces alanine 694 with threonine.
Molecular consequence: missense variant.
Genome position (GRCh38, 1-based): chr2:135,812,584, C>T on the plus strand (G>A on the coding strand, the complement: LCT is on the minus strand). VCF-style: chr2-135812584-C-T. GRCh37 (hg19) VCF-style: chr2-136570154-C-T.
Other names: short protein forms A694T.
Identifiers: ClinVar variation 2196458 (VCV002196458.2), dbSNP rs754578995, ClinGen allele CA1888300.

ClinVar aggregate classification (germline): Uncertain significance. Review status: criteria provided, multiple submitters, no conflicts (2 of 4 stars). 2 submissions from 2 submitters: Uncertain significance (2). Last evaluated 2025-08-21.

Conditions:
Inborn genetic diseases. Identifiers: MedGen C0950123, MeSH D030342.

Allele frequency attached by ClinVar (database versions not stated): ExAC 0.00002; gnomAD 0.00003; gnomAD exomes 0.00003; TOPMed 0.00007.
gnomAD v4.1: 52 of 1,613,048 alleles (0.0032%); highest among the groups gnomAD compares: Admixed American, 0.04%; no homozygotes.

Submissions (2):

Ambry Genetics
Classification: Uncertain significance for Inborn genetic diseases. Last evaluated: 2025-08-21. Review status: criteria provided, single submitter. Criteria: Ambry Variant Classification Scheme 2023. Collection method: clinical testing. Allele origin: germline.

Labcorp Genetics (formerly Invitae), Labcorp
Classification: Uncertain significance. Last evaluated: 2022-08-08. Review status: criteria provided, single submitter. Criteria: Invitae Variant Classification Sherloc (09022015). Collection method: clinical testing. Allele origin: germline.
Comment: This sequence change replaces alanine, which is neutral and non-polar, with threonine, which is neutral and polar, at codon 694 of the LCT protein (p.Ala694Thr). This variant is present in population databases (rs754578995, gnomAD 0.06%). This variant has not been reported in the literature in individuals affected with LCT-related conditions. Algorithms developed to predict the effect of missense changes on protein structure and function output the following: SIFT: "Not Available"; PolyPhen-2: "Benign"; Align-GVGD: "Not Available". The threonine amino acid residue is found in multiple mammalian species, which suggests that this missense change does not adversely affect protein function. In summary, the available evidence is currently insufficient to determine the role of this variant in disease. Therefore, it has been classified as a Variant of Uncertain Significance.